The following is an entry in ClinVar:

NM_000238.4(KCNH2):c.2699_2760dup (p.Gly921fs)

Gene: KCNH2 (potassium voltage-gated channel subfamily H member 2; minus strand). Cytogenetic location: 7q36.1.
Variant type: Duplication.
Coding change: c.2699_2760dup on transcript NM_000238.4 (MANE Select); coding-DNA positions 2699 to 2760, 62 bases duplicated.
Protein change: p.Gly921fs; shifts the reading frame from glycine 921.
Molecular consequence: frameshift variant.
Genome position (GRCh38, 1-based): chr7:150,947,811-150,947,872, 62 bases duplicated. GRCh37 (hg19): chr7:150,644,902-150,644,963.
Other names: c.2411_2472dup, p.Gly825fs (NM_001406753.1); c.1679_1740dup, p.Gly581fs (NM_172057.3); short protein forms G581fs, G825fs, G921fs.
Identifiers: ClinVar variation 4757905 (VCV004757905.1).

ClinVar aggregate classification (germline): Pathogenic (1 of 4 stars; one submission).

Conditions:
Cardiac arrhythmia. Also called: Arrhythmia; Cardiac rhythm disease. Identifiers: MedGen C0003811, MONDO:0007263, HP:0011675.

Submission:

Color Diagnostics, LLC DBA Color Health
Classification: Pathogenic for Cardiac arrhythmia. Last evaluated: 2025-08-18. Review status: criteria provided, single submitter. Criteria: ACMG Guidelines, 2015. Collection method: clinical testing. Allele origin: germline.
Comment: This variant inserts 62 nucleotides in exon 12 of the KCNH2 gene, creating a frameshift and premature translation stop signal. This variant is expected to result in an absent or non-functional protein product. This variant has been reported in a family with multiple individuals who suffered sudden death (PMID: 35501108). This variant has not been identified in the general population by the Genome Aggregation Database (gnomAD). Loss of KCNH2 function is a known mechanism of disease. Based on the available evidence, this variant is classified as Pathogenic.

Literature cited by the submitters: PubMed 35501108.